The following is an entry in ClinVar:

NM_001394062.1(MACF1):c.3821A>G (p.Asp1274Gly)

Gene: MACF1 (microtubule actin crosslinking factor 1; plus strand). Cytogenetic location: 1p34.3.
Variant type: single nucleotide variant.
Coding change: c.3821A>G on transcript NM_001394062.1 (MANE Select); coding-DNA position 3821, A replaced by G.
Protein change: p.Asp1274Gly; replaces aspartic acid 1274 with glycine.
Molecular consequence: missense variant.
Genome position (GRCh38, 1-based): chr1:39,318,491, A>G. VCF-style: chr1-39318491-A-G. GRCh37 (hg19) VCF-style: chr1-39784163-A-G.
Other names: c.3836A>G, p.Asp1279Gly (NM_012090.5); short protein forms D1274G, D1279G.
Identifiers: ClinVar variation 2497946 (VCV002497946.1), dbSNP rs2521845671, ClinGen allele CA339787825.

ClinVar aggregate classification (germline): Uncertain significance (1 of 4 stars; one submission).

Allele frequency attached by ClinVar (database versions not stated): gnomAD exomes below 0.00001.
gnomAD v4.1: 6 of 1,613,938 alleles (0.00037%); highest among the groups gnomAD compares: Non-Finnish European, 0.00051%; no homozygotes.

Submission:

GeneDx
Classification: Uncertain significance. Last evaluated: 2022-10-10. Review status: criteria provided, single submitter. Criteria: GeneDx Variant Classification Process June 2021. Collection method: clinical testing. Allele origin: germline. Affected: yes.
Comment: Not observed at significant frequency in large population cohorts (gnomAD); In silico analysis supports that this missense variant has a deleterious effect on protein structure/function; Has not been previously published as pathogenic or benign to our knowledge